The following is an entry in ClinVar:

ClinVar aggregate classification (germline): Likely benign (0 of 4 stars; one submission).

Conditions:
AKT2-related disorder. Also called: AKT2-related condition.

Allele frequency attached by ClinVar (database versions not stated): ExAC 0.00001; TOPMed 0.00003; gnomAD 0.00005.
gnomAD v4.1: 19 of 1,609,372 alleles (0.0012%); highest among the groups gnomAD compares: African/African-American, 0.0093%; no homozygotes.

Submission:

PreventionGenetics, part of Exact Sciences
Classification: Likely benign for AKT2-related condition. Last evaluated: 2019-05-28. Review status: no assertion criteria provided. Collection method: clinical testing. Allele origin: germline.
Comment: This variant is classified as likely benign based on ACMG/AMP sequence variant interpretation guidelines (Richards et al. 2015 PMID: 25741868, with internal and published modifications).

NM_001626.6(AKT2):c.1367-9C>T

Gene: AKT2 (AKT serine/threonine kinase 2; minus strand). Cytogenetic location: 19q13.2.
Variant type: single nucleotide variant.
Coding change: c.1367-9C>T on transcript NM_001626.6 (MANE Select); 9 bases into the intron before coding-DNA position 1367, C replaced by T.
Molecular consequence: intron variant.
Genome position (GRCh38, 1-based): chr19:40,233,960, G>A on the plus strand (C>T on the coding strand, the complement: AKT2 is on the minus strand). VCF-style: chr19-40233960-G-A. GRCh37 (hg19) VCF-style: chr19-40739867-G-A.
Other names: c.1181-9C>T (NM_001243028.3, NM_001243027.3); c.1238-9C>T (NM_001330511.1).
Identifiers: ClinVar variation 3038462 (VCV003038462.2), dbSNP rs746610906, ClinGen allele CA9441427.